The following is an entry in ClinVar:

NM_001182.5(ALDH7A1):c.1477G>T (p.Gly493Ter)

Gene: ALDH7A1 (aldehyde dehydrogenase 7 family member A1; minus strand). Cytogenetic location: 5q23.2.
Variant type: single nucleotide variant.
Coding change: c.1477G>T on transcript NM_001182.5 (MANE Select); coding-DNA position 1477, G replaced by T.
Protein change: p.Gly493Ter; replaces glycine 493 with a stop codon.
Molecular consequence: nonsense.
Genome position (GRCh38, 1-based): chr5:126,549,941, C>A on the plus strand (G>T on the coding strand, the complement: ALDH7A1 is on the minus strand). VCF-style: chr5-126549941-C-A. GRCh37 (hg19) VCF-style: chr5-125885633-C-A.
Other names: c.1393G>T, p.Gly465Ter (NM_001201377.2); c.1285G>T, p.Gly429Ter (NM_001202404.2); short protein forms G429*, G493*, G465*.
Identifiers: ClinVar variation 1456756 (VCV001456756.8), dbSNP rs767756650, ClinGen allele CA3389400.
Genomic context (GRCh38, chr5:126,549,941, plus strand): 5'-TTTTCTTTGCTGCCCAACATGGAAAAGGAGAAATGATTCTCTACGTACCAAAGGCACCTC[C>A]AATCTCAGCCCCACTTGTTGGAATGTTGACATTTACAATGCCACAGTCTGATCCTTTAGG-3'

ClinVar aggregate classification (germline): Pathogenic (1 of 4 stars; one submission).

Conditions:
Pyridoxine-dependent epilepsy (EPEO4). Also called: Pyridoxine-Dependent Epilepsy - ALDH7A1; PYRIDOXINE DEPENDENCY WITH SEIZURES; EPILEPSY, EARLY-ONSET, 4, VITAMIN B6-DEPENDENT; Pyridoxine-Dependent Seizures. Identifiers: Orphanet 3006, MedGen C1849508, MONDO:0009945, OMIM 266100. Disease mechanism: loss of function.

Allele frequency attached by ClinVar (database versions not stated): gnomAD exomes 0.00001; ExAC 0.00002.

Submission:

Labcorp Genetics (formerly Invitae), Labcorp
Classification: Pathogenic for Pyridoxine-dependent epilepsy. Last evaluated: 2025-09-28. Review status: criteria provided, single submitter. Criteria: Invitae Variant Classification Sherloc (09022015). Collection method: clinical testing. Allele origin: germline.
Comment: This sequence change creates a premature translational stop signal (p.Gly493*) in the ALDH7A1 gene. It is expected to result in an absent or disrupted protein product. Loss-of-function variants in ALDH7A1 are known to be pathogenic (PMID: 16491085, 20554659). This variant is present in population databases (rs767756650, gnomAD 0.006%). This variant has not been reported in the literature in individuals affected with ALDH7A1-related conditions. ClinVar contains an entry for this variant (Variation ID: 1456756). Algorithms developed to predict the effect of sequence changes on RNA splicing suggest that this variant may disrupt the consensus splice site. For these reasons, this variant has been classified as Pathogenic.

Literature cited by the submitters: PubMed 16491085; PubMed 20554659.